The following is an entry in ClinVar:

NM_020458.4(TTC7A):c.2294A>C (p.Lys765Thr)

Gene: TTC7A (tetratricopeptide repeat domain 7A; plus strand). Cytogenetic location: 2p21.
Variant type: single nucleotide variant.
Coding change: c.2294A>C on transcript NM_020458.4 (MANE Select); coding-DNA position 2294, A replaced by C.
Protein change: p.Lys765Thr; replaces lysine 765 with threonine.
Molecular consequence: missense variant.
Genome position (GRCh38, 1-based): chr2:47,060,910, A>C. VCF-style: chr2-47060910-A-C. GRCh37 (hg19) VCF-style: chr2-47288049-A-C.
Other names: c.2366A>C, p.Lys789Thr (NM_001288951.2); c.2192A>C, p.Lys731Thr (NM_001288953.2); c.1232A>C, p.Lys411Thr (NM_001288955.2); short protein forms K731T, K411T, K765T, K789T.
Identifiers: ClinVar variation 970170 (VCV000970170.10), dbSNP rs1209150485, ClinGen allele CA346714971.
Genomic context (GRCh38, chr2:47,060,910, plus strand): 5'-ACTCAGTACTCTATATGCGGGGCCGGCTGGCTGAGGTGAAGGGCAACCTGGAGGAGGCCA[A>C]GCAGCTGTACAAGGAGGCGCTCACGGTGAACCCAGATGGCGTGCGCATCATGCATAGCCT-3'
Protein context (NP_065191.2, residues 755-775): AEVKGNLEEA[Lys765Thr]QLYKEALTVN

ClinVar aggregate classification (germline): Uncertain significance (1 of 4 stars; one submission).

Conditions:
Multiple gastrointestinal atresias. Also called: Multiple intestinal atresia; FAMILIAL INTESTINAL POLYATRESIA SYNDROME. Identifiers: Orphanet 2300, MedGen C0220744, MONDO:0009465.

Allele frequency attached by ClinVar (database versions not stated): gnomAD exomes below 0.00001; gnomAD 0.00001; TOPMed 0.00001.
gnomAD v4.1: 4 of 1,614,070 alleles (0.00025%); highest among the groups gnomAD compares: African/African-American, 0.004%; no homozygotes.

Submission:

Labcorp Genetics (formerly Invitae), Labcorp
Classification: Uncertain significance for Multiple gastrointestinal atresias. Last evaluated: 2019-10-11. Review status: criteria provided, single submitter. Criteria: Invitae Variant Classification Sherloc (09022015). Collection method: clinical testing. Allele origin: germline.
Comment: This sequence change replaces lysine with threonine at codon 765 of the TTC7A protein (p.Lys765Thr). The lysine residue is moderately conserved and there is a moderate physicochemical difference between lysine and threonine. In summary, the available evidence is currently insufficient to determine the role of this variant in disease. Therefore, it has been classified as a Variant of Uncertain Significance. Algorithms developed to predict the effect of missense changes on protein structure and function (SIFT, PolyPhen-2, Align-GVGD) all suggest that this variant is likely to be tolerated, but these predictions have not been confirmed by published functional studies and their clinical significance is uncertain. This variant has not been reported in the literature in individuals with TTC7A-related conditions. This variant is not present in population databases (ExAC no frequency).